The following is an entry in ClinVar:

NM_001330574.2(ZNF711):c.334A>G (p.Ile112Val)

Gene: ZNF711 (zinc finger protein 711; plus strand). Cytogenetic location: Xq21.1.
Variant type: single nucleotide variant.
Coding change: c.334A>G on transcript NM_001330574.2 (MANE Select); coding-DNA position 334, A replaced by G.
Protein change: p.Ile112Val; replaces isoleucine 112 with valine.
Molecular consequence: missense variant.
Genome position (GRCh38, 1-based): chrX:85,255,513, A>G. VCF-style: chrX-85255513-A-G. GRCh37 (hg19) VCF-style: chrX-84510519-A-G.
Other names: c.334A>G, p.Ile112Val (NM_001375431.1, NM_001375432.1, NM_001375433.1 and 5 more transcripts); short protein forms I112V.
Identifiers: ClinVar variation 1695644 (VCV001695644.2), dbSNP rs2147819821, ClinGen allele CA413775151.

ClinVar aggregate classification (germline): Uncertain significance (1 of 4 stars; one submission).

Submission:

GeneDx
Classification: Uncertain significance. Last evaluated: 2022-01-06. Review status: criteria provided, single submitter. Criteria: GeneDx Variant Classification Process June 2021. Collection method: clinical testing. Allele origin: germline. Affected: yes.
Comment: Not observed at significant frequency in large population cohorts (gnomAD); In silico analysis supports that this missense variant does not alter protein structure/function; Has not been previously published as pathogenic or benign to our knowledge